The following is an entry in ClinVar:

NM_014363.6(SACS):c.279_286del (p.Pro94fs)

Gene: SACS (sacsin molecular chaperone; minus strand). Cytogenetic location: 13q12.12.
Variant type: Deletion.
Coding change: c.279_286del on transcript NM_014363.6 (MANE Select); coding-DNA positions 279 to 286, 8 bases deleted (GCCACCAC; older notation c.279_286delGCCACCAC).
Protein change: p.Pro94fs; shifts the reading frame from proline 94.
Molecular consequence: frameshift variant. On other transcripts: 5 prime UTR variant (1).
Genome position (GRCh38, 1-based): chr13:23,368,461-23,368,468, GTGGTGGC deleted on the plus strand (GCCACCAC on the coding strand, the reverse complement: SACS is on the minus strand); deleting any 8 consecutive bases within chr13:23,368,461-23,368,470 gives the same sequence; the c. name uses the placement nearest the transcript's 3' end. VCF-style (leftmost placement, unchanged base first): chr13-23368460-AGTGGTGGC-A. GRCh37 (hg19) VCF-style: chr13-23942599-AGTGGTGGC-A.
Other names: c.-163_-156del (NM_001278055.2); c.279_286del, p.Pro94fs (NM_001437336.1); short protein forms P94fs.
Identifiers: ClinVar variation 5015187 (VCV005015187.1).

ClinVar aggregate classification (germline): Pathogenic (1 of 4 stars; one submission).

Conditions:
Charlevoix-Saguenay spastic ataxia (SACS). Also called: AUTOSOMAL RECESSIVE SPASTIC ATAXIA OF CHARLEVOIX-SAGUENAY; Spastic ataxia of Charlevoix-Saguenay; SPASTIC ATAXIA 6, AUTOSOMAL RECESSIVE. Identifiers: Orphanet 98, MedGen C1849140, MONDO:0010041, OMIM 270550.

Submission:

Myriad Genetics, Inc.
Classification: Pathogenic for Charlevoix-Saguenay spastic ataxia. Last evaluated: 2025-11-09. Review status: criteria provided, single submitter. Criteria: Myriad Autosomal Dominant, Autosomal Recessive and X-Linked Classification Criteria (2023). Collection method: clinical testing. Allele origin: unknown.
Comment: NM_014363.4(SACS):c.279_286del8(P94Cfs*2) is expected to be pathogenic in the context of autosomal recessive spastic ataxia of Charlevoix-Saguenay. This variant is predicted to lead to an abnormal or absent protein product due to the creation of a premature termination codon in SACS, a gene where loss-of-function variants are known to be pathogenic. Please note: this variant was assessed in the context of healthy population screening.